The following is an entry in ClinVar:

ClinVar aggregate classification (germline): Likely benign. Review status: reviewed by expert panel (3 of 4 stars). 2 submissions from 2 submitters: Likely benign (1). 1 of the submissions does not count toward it. Last evaluated 2022-04-25.

Conditions:
Hereditary thrombocytopenia and hematologic cancer predisposition syndrome. Identifiers: Orphanet 71290, MedGen CN281654, MONDO:0011071.
Hereditary thrombocytopenia and hematological cancer predisposition syndrome associated with RUNX1. Also called: PLATELET DISORDER, ASPIRIN-LIKE; RUNX1 Familial Platelet Disorder with Associated Myeloid Malignancies; Familial Platelet Disorder with Propensity to Acute Myelogenous Leukemia; Familial thrombocytopenia with propensity to acute myelogenous leukemia. Identifiers: Orphanet 71290, MedGen C1832388, MeSH C563324, MONDO:0100083, OMIM 601399.

Submissions (2):

ClinGen Myeloid Malignancy Variant Curation Expert Panel
Classification: Likely benign for Hereditary thrombocytopenia and hematologic cancer predisposition syndrome. Last evaluated: 2022-04-25. Review status: reviewed by expert panel. Criteria: ClinGen MyeloMalig ACMG Specifications v2. Collection method: curation. Allele origin: germline. Inheritance: Autosomal dominant inheritance.
Comment: NM_001754.5(RUNX1):c.597G>A (p.Gly199=) is a synonymous variant. REVEL score not calculable. SpliceAI predicts: Acceptor loss 0.00, Donor loss 0.00, Acceptor gain 0.00, Donor gain 0.00. (BP4). Evolutionary conservation prediction algorithms predict the site as not being conserved (PhyloP score 0.487268 < 2.0 or the variant is the reference nucleotide in one primate and/or three mammal species) (BP7). This variant is completely absent from all population databases with at least 20x coverage for RUNX1 (PM2_supporting). In summary, this variant meets criteria to be classified as likely benign. ACMG/AMP criteria applied, as specified by the Myeloid Malignancy Variant Curation Expert Panel for RUNX1: BP4, BP7, PM2_supporting.

Labcorp Genetics (formerly Invitae), Labcorp
Classification: Likely benign for Hereditary thrombocytopenia and hematological cancer predisposition syndrome associated with RUNX1. Last evaluated: 2019-02-06. Review status: criteria provided, single submitter. Criteria: Invitae Variant Classification Sherloc (09022015). Collection method: clinical testing. Allele origin: germline. Not counted in ClinVar's aggregate classification.

NM_001754.5(RUNX1):c.597G>A (p.Gly199=)

Genes: RUNX1 (RUNX family transcription factor 1; minus strand), RUNX1-AS1 (RUNX1 antisense RNA 1; plus strand). Cytogenetic location: 21q22.12.
Variant type: single nucleotide variant.
Coding change: c.597G>A on transcript NM_001754.5 (MANE Select); coding-DNA position 597, G replaced by A.
Protein change: p.Gly199=; no amino-acid change (glycine 199 retained).
Molecular consequence: synonymous variant.
Genome position (GRCh38, 1-based): chr21:34,859,490, C>T on the plus strand (G>A on the coding strand, the complement: RUNX1 is on the minus strand). VCF-style: chr21-34859490-C-T. GRCh37 (hg19) VCF-style: chr21-36231787-C-T.
Other names: NM_001754.5(RUNX1):c.597G>A; p.Gly199=; c.516G>A, p.Gly172= (NM_001001890.3, NM_001122607.2).
Identifiers: ClinVar variation 1090114 (VCV001090114.10), dbSNP rs2146234640, ClinGen allele CA512319073.